The following is an entry in ClinVar:

NM_001363711.2(DUOX2):c.4634A>G (p.Tyr1545Cys)

Gene: DUOX2 (dual oxidase 2; minus strand). Cytogenetic location: 15q21.1.
Variant type: single nucleotide variant.
Coding change: c.4634A>G on transcript NM_001363711.2 (MANE Select); coding-DNA position 4634, A replaced by G.
Protein change: p.Tyr1545Cys; replaces tyrosine 1545 with cysteine.
Molecular consequence: missense variant.
Genome position (GRCh38, 1-based): chr15:45,094,163, T>C on the plus strand (A>G on the coding strand, the complement: DUOX2 is on the minus strand). VCF-style: chr15-45094163-T-C. GRCh37 (hg19) VCF-style: chr15-45386361-T-C.
Other names: c.4634A>G, p.Tyr1545Cys (NM_014080.5); short protein forms Y1545C.
Identifiers: ClinVar variation 1679585 (VCV001679585.3), dbSNP rs763639251, ClinGen allele CA7537445.
Genomic context (GRCh38, chr15:45,094,163, plus strand): 5'-CAGAAGAGAAGGCAGGATACTGGAAGCAGCAGCCAGGGAGGACAGGCTCAGAAGTTCTCA[T>C]AGTGGTGCATGAAGTGGGCTCGGTCCTGCCTGTTGACGAGCTGACAGGCCTTCTCTACAT-3'
Protein context (NP_001350640.1, residues 1535-1548): RQDRAHFMHH[Tyr1545Cys]ENF

ClinVar aggregate classification (germline): Uncertain significance. Review status: criteria provided, multiple submitters, no conflicts (2 of 4 stars). 2 submissions from 2 submitters: Uncertain significance (2). Last evaluated 2025-01-26.

Conditions:
Thyroid dyshormonogenesis 6 (TDH6). Also called: HYPOTHYROIDISM, CONGENITAL, DUE TO DYSHORMONOGENESIS, 6; THYROID HORMONOGENESIS, GENETIC DEFECT IN, 6; Genetic transient congenital hypothyroidism. Identifiers: Orphanet 226316, Orphanet 95716, MedGen C1846632, MONDO:0011792, OMIM 607200.

Allele frequency attached by ClinVar (database versions not stated): TOPMed below 0.00001; ExAC 0.00001; gnomAD exomes 0.00001.

Submissions (2):

Labcorp Genetics (formerly Invitae), Labcorp
Classification: Uncertain significance. Last evaluated: 2025-01-26. Review status: criteria provided, single submitter. Criteria: Invitae Variant Classification Sherloc (09022015). Collection method: clinical testing. Allele origin: germline.
Comment: This sequence change replaces tyrosine, which is neutral and polar, with cysteine, which is neutral and slightly polar, at codon 1545 of the DUOX2 protein (p.Tyr1545Cys). This variant is present in population databases (rs763639251, gnomAD 0.0009%). This variant has not been reported in the literature in individuals affected with DUOX2-related conditions. ClinVar contains an entry for this variant (Variation ID: 1679585). An algorithm developed to predict the effect of missense changes on protein structure and function (PolyPhen-2) suggests that this variant is likely to be disruptive. Algorithms developed to predict the effect of sequence changes on RNA splicing suggest that this variant may create or strengthen a splice site. In summary, the available evidence is currently insufficient to determine the role of this variant in disease. Therefore, it has been classified as a Variant of Uncertain Significance.

New York Genome Center
Classification: Uncertain significance for Thyroid dyshormonogenesis 6. Last evaluated: 2021-04-30. Review status: criteria provided, single submitter. Criteria: NYGC Assertion Criteria 2020. Collection method: clinical testing. Allele origin: germline. Observed: 1 heterozygote. Study: CSER-NYCKidSeq.